The following is an entry in ClinVar:

ClinVar aggregate classification (germline): Uncertain significance (1 of 4 stars; one submission).

Conditions:
Primary ciliary dyskinesia. Also called: Ciliary dyskinesia. Identifiers: Orphanet 244, MedGen C0008780, MONDO:0016575, HP:0012265.

gnomAD v4.1: 3 of 1,614,040 alleles (0.00019%); highest among the groups gnomAD compares: Non-Finnish European, 0.00025%; no homozygotes.

Submission:

Labcorp Genetics (formerly Invitae), Labcorp
Classification: Uncertain significance for Primary ciliary dyskinesia. Last evaluated: 2022-08-15. Review status: criteria provided, single submitter. Criteria: Invitae Variant Classification Sherloc (09022015). Collection method: clinical testing. Allele origin: germline.
Comment: In summary, the available evidence is currently insufficient to determine the role of this variant in disease. Therefore, it has been classified as a Variant of Uncertain Significance. Advanced modeling of protein sequence and biophysical properties (such as structural, functional, and spatial information, amino acid conservation, physicochemical variation, residue mobility, and thermodynamic stability) performed at Invitae indicates that this missense variant is not expected to disrupt DNAH5 protein function. ClinVar contains an entry for this variant (Variation ID: 1011100). This variant has not been reported in the literature in individuals affected with DNAH5-related conditions. This variant is present in population databases (rs149681419, gnomAD 0.0009%). This sequence change replaces threonine, which is neutral and polar, with alanine, which is neutral and non-polar, at codon 3171 of the DNAH5 protein (p.Thr3171Ala).

NM_001369.3(DNAH5):c.9511A>G (p.Thr3171Ala)

Gene: DNAH5 (dynein axonemal heavy chain 5; minus strand). Cytogenetic location: 5p15.2.
Variant type: single nucleotide variant.
Coding change: c.9511A>G on transcript NM_001369.3 (MANE Select); coding-DNA position 9511, A replaced by G.
Protein change: p.Thr3171Ala; replaces threonine 3171 with alanine.
Molecular consequence: missense variant.
Genome position (GRCh38, 1-based): chr5:13,770,843, T>C on the plus strand (A>G on the coding strand, the complement: DNAH5 is on the minus strand). VCF-style: chr5-13770843-T-C. GRCh37 (hg19) VCF-style: chr5-13770952-T-C.
Other names: short protein forms T3171A.
Identifiers: ClinVar variation 1011100 (VCV001011100.7), dbSNP rs149681419, ClinGen allele CA3202532.
Genomic context (GRCh38, chr5:13,770,843, plus strand): 5'-CTCCATATATGAACTTATAGCCCTGAATAAAGGAGAGGTATGATTTGGGCGTCACGTGGG[T>C]AGAACGTCGGAATCTCTGAAAATAATCAACACACTTCTCAGCCACCCCATCCTGGAAGGA-3'
Protein context (NP_001360.1, residues 3161-3181): VDYFQRFRRS[Thr3171Ala]HVTPKSYLSF